The following is an entry in ClinVar:

NM_182493.3(MYLK3):c.322G>A (p.Gly108Ser)

Gene: MYLK3 (myosin light chain kinase 3; minus strand). Cytogenetic location: 16q11.2.
Variant type: single nucleotide variant.
Coding change: c.322G>A on transcript NM_182493.3 (MANE Select); coding-DNA position 322, G replaced by A.
Protein change: p.Gly108Ser; replaces glycine 108 with serine.
Molecular consequence: missense variant. On other transcripts: intron variant (1).
Genome position (GRCh38, 1-based): chr16:46,747,872, C>T on the plus strand (G>A on the coding strand, the complement: MYLK3 is on the minus strand). VCF-style: chr16-46747872-C-T. GRCh37 (hg19) VCF-style: chr16-46781784-C-T.
Other names: c.-113-7725G>A (NM_001308301.1); short protein forms G108S.
Identifiers: ClinVar variation 1346425 (VCV001346425.6), dbSNP rs747034841, ClinGen allele CA8038278.

ClinVar aggregate classification (germline): Uncertain significance (1 of 4 stars; one submission).

Allele frequency attached by ClinVar (database versions not stated): ExAC 0.00001; gnomAD 0.00002 and 0.00003; gnomAD exomes 0.00002; TOPMed 0.00002.
gnomAD v4.1: 18 of 1,613,906 alleles (0.0011%); highest among the groups gnomAD compares: African/African-American, 0.0013%; no homozygotes.

Submission:

Labcorp Genetics (formerly Invitae), Labcorp
Classification: Uncertain significance. Last evaluated: 2025-07-08. Review status: criteria provided, single submitter. Criteria: Invitae Variant Classification Sherloc (09022015). Collection method: clinical testing. Allele origin: germline.
Comment: This sequence change replaces glycine, which is neutral and non-polar, with serine, which is neutral and polar, at codon 108 of the MYLK3 protein (p.Gly108Ser). This variant is present in population databases (rs747034841, gnomAD 0.003%). This variant has not been reported in the literature in individuals affected with MYLK3-related conditions. ClinVar contains an entry for this variant (Variation ID: 1346425). An algorithm developed to predict the effect of missense changes on protein structure and function outputs the following: PolyPhen-2: "Benign". The serine amino acid residue is found in multiple mammalian species, which suggests that this missense change does not adversely affect protein function. In summary, the available evidence is currently insufficient to determine the role of this variant in disease. Therefore, it has been classified as a Variant of Uncertain Significance.